The following is an entry in ClinVar:

ClinVar aggregate classification (germline): Uncertain significance (1 of 4 stars; one submission).

Allele frequency attached by ClinVar (database versions not stated): gnomAD exomes below 0.00001; gnomAD 0.00001.
gnomAD v4.1: 3 of 1,613,990 alleles (0.00019%); highest among the groups gnomAD compares: African/African-American, 0.0027%; no homozygotes.

Submission:

Labcorp Genetics (formerly Invitae), Labcorp
Classification: Uncertain significance. Last evaluated: 2022-03-01. Review status: criteria provided, single submitter. Criteria: Invitae Variant Classification Sherloc (09022015). Collection method: clinical testing. Allele origin: germline.
Comment: This sequence change replaces serine, which is neutral and polar, with glycine, which is neutral and non-polar, at codon 719 of the XYLT2 protein (p.Ser719Gly). This variant is not present in population databases (gnomAD no frequency). This variant has not been reported in the literature in individuals affected with XYLT2-related conditions. Algorithms developed to predict the effect of missense changes on protein structure and function (SIFT, PolyPhen-2, Align-GVGD) all suggest that this variant is likely to be tolerated. In summary, the available evidence is currently insufficient to determine the role of this variant in disease. Therefore, it has been classified as a Variant of Uncertain Significance.

NM_022167.4(XYLT2):c.2155A>G (p.Ser719Gly)

Gene: XYLT2 (xylosyltransferase 2; plus strand). Cytogenetic location: 17q21.33.
Variant type: single nucleotide variant.
Coding change: c.2155A>G on transcript NM_022167.4 (MANE Select); coding-DNA position 2155, A replaced by G.
Protein change: p.Ser719Gly; replaces serine 719 with glycine.
Molecular consequence: missense variant.
Genome position (GRCh38, 1-based): chr17:50,358,420, A>G. VCF-style: chr17-50358420-A-G. GRCh37 (hg19) VCF-style: chr17-48435781-A-G.
Other names: short protein forms S719G.
Identifiers: ClinVar variation 1947829 (VCV001947829.4), dbSNP rs1912648730, ClinGen allele CA400213905.
Genomic context (GRCh38, chr17:50,358,420, plus strand): 5'-ACATCTTATGACATCACAGTAGATACGGAGACTGAGGTCACGCAATACAAGCCCCCACTG[A>G]GCCGGCCCCTGCGGCCAGGGCCCTGGACTGTTCGACTCCTTCAGTTCTGGGAACCGCTGG-3'
Protein context (NP_071450.2, residues 709-729): TEVTQYKPPL[Ser719Gly]RPLRPGPWTV